The following is an entry in ClinVar:

ClinVar aggregate classification (germline): Uncertain significance. Review status: criteria provided, multiple submitters, no conflicts (2 of 4 stars). 2 submissions from 2 submitters: Uncertain significance (2). Last evaluated 2025-12-16.

Conditions:
Inborn genetic diseases. Identifiers: MedGen C0950123, MeSH D030342.

Allele frequency attached by ClinVar (database versions not stated): ExAC 0.00004; TOPMed 0.00005; ESP Exome Variant Server 0.00015; 1000 Genomes Project 30x 0.00016; 1000 Genomes Project 0.00020.
gnomAD v4.1: 21 of 1,582,678 alleles (0.0013%); highest among the groups gnomAD compares: African/African-American, 0.027%; no homozygotes.

Submissions (2):

Labcorp Genetics (formerly Invitae), Labcorp
Classification: Uncertain significance. Last evaluated: 2025-12-16. Review status: criteria provided, single submitter. Criteria: Invitae Variant Classification Sherloc (09022015). Collection method: clinical testing. Allele origin: germline.
Comment: This sequence change replaces asparagine, which is neutral and polar, with serine, which is neutral and polar, at codon 305 of the LCT protein (p.Asn305Ser). This variant is present in population databases (rs370965510, gnomAD 0.04%). This variant has not been reported in the literature in individuals affected with LCT-related conditions. ClinVar contains an entry for this variant (Variation ID: 2189854). An algorithm developed to predict the effect of missense changes on protein structure and function outputs the following: PolyPhen-2: "Benign". The serine amino acid residue is found in multiple mammalian species, which suggests that this missense change does not adversely affect protein function. In summary, the available evidence is currently insufficient to determine the role of this variant in disease. Therefore, it has been classified as a Variant of Uncertain Significance.

Ambry Genetics
Classification: Uncertain significance for Inborn genetic diseases. Last evaluated: 2022-07-26. Review status: criteria provided, single submitter. Criteria: Ambry Variant Classification Scheme 2023. Collection method: clinical testing. Allele origin: germline.

NM_002299.4(LCT):c.914A>G (p.Asn305Ser)

Genes: LCT-AS1 (LCT antisense RNA 1; plus strand), LCT (lactase; minus strand). Cytogenetic location: 2q21.3.
Variant type: single nucleotide variant.
Coding change: c.914A>G on transcript NM_002299.4 (MANE Select); coding-DNA position 914, A replaced by G.
Protein change: p.Asn305Ser; replaces asparagine 305 with serine.
Molecular consequence: missense variant. On other transcripts: non-coding transcript variant (1).
Genome position (GRCh38, 1-based): chr2:135,822,092, T>C on the plus strand (A>G on the coding strand, the complement: LCT is on the minus strand). VCF-style: chr2-135822092-T-C. GRCh37 (hg19) VCF-style: chr2-136579662-T-C.
Other names: short protein forms N305S.
Identifiers: ClinVar variation 2189854 (VCV002189854.3), dbSNP rs370965510, ClinGen allele CA1888487.
Genomic context (GRCh38, chr2:135,822,092, plus strand): 5'-CTTGATGAACAACTCAGAAACTCATTAATATCAAACCCAATGGTGAGCACTTGGTCTTTA[T>C]TTATGGCTGTAAGAGAAGAAATTGAATTAACTCTATGTAAATGCCAACTAAGAACATGCA-3'
Protein context (NP_002290.2, residues 295-315): SLLFSLFEAI[Asn305Ser]KDQVLTIGFD